The following is an entry in ClinVar:

ClinVar aggregate classification (germline): Pathogenic (1 of 4 stars; one submission).

Submission:

Labcorp Genetics (formerly Invitae), Labcorp
Classification: Pathogenic. Last evaluated: 2022-10-16. Review status: criteria provided, single submitter. Criteria: Invitae Variant Classification Sherloc (09022015). Collection method: clinical testing. Allele origin: germline.
Comment: For these reasons, this variant has been classified as Pathogenic. This variant has not been reported in the literature in individuals affected with CNGB1-related conditions. This variant is not present in population databases (gnomAD no frequency). This sequence change creates a premature translational stop signal (p.Lys444*) in the CNGB1 gene. It is expected to result in an absent or disrupted protein product. Loss-of-function variants in CNGB1 are known to be pathogenic (PMID: 15557452, 24043777).

Literature cited by the submitters: PubMed 15557452; PubMed 24043777.

NM_001297.5(CNGB1):c.1330A>T (p.Lys444Ter)

Gene: CNGB1 (cyclic nucleotide gated channel subunit beta 1; minus strand). Cytogenetic location: 16q21.
Variant type: single nucleotide variant.
Coding change: c.1330A>T on transcript NM_001297.5 (MANE Select); coding-DNA position 1330, A replaced by T.
Protein change: p.Lys444Ter; replaces lysine 444 with a stop codon.
Molecular consequence: nonsense.
Genome position (GRCh38, 1-based): chr16:57,939,472, T>A on the plus strand (A>T on the coding strand, the complement: CNGB1 is on the minus strand). VCF-style: chr16-57939472-T-A. GRCh37 (hg19) VCF-style: chr16-57973376-T-A.
Other names: c.1312A>T, p.Lys438Ter (NM_001286130.2); short protein forms K444*, K438*.
Identifiers: ClinVar variation 2035784 (VCV002035784.4), dbSNP rs1961604811, ClinGen allele CA396072598.